The following is an entry in ClinVar:

NM_021930.6(RINT1):c.814T>C (p.Cys272Arg)

Gene: RINT1 (RAD50 interactor 1; plus strand). Cytogenetic location: 7q22.3.
Variant type: single nucleotide variant.
Coding change: c.814T>C on transcript NM_021930.6 (MANE Select); coding-DNA position 814, T replaced by C.
Protein change: p.Cys272Arg; replaces cysteine 272 with arginine.
Molecular consequence: missense variant. On other transcripts: 5 prime UTR variant (2), non-coding transcript variant (1), intron variant (1).
Genome position (GRCh38, 1-based): chr7:105,547,308, T>C. VCF-style: chr7-105547308-T-C. GRCh37 (hg19) VCF-style: chr7-105187755-T-C.
Other names: c.580T>C, p.Cys194Arg (NM_001346599.2); c.-206T>C (NM_001346600.2); c.-109T>C (NM_001346601.2); c.-27-2747T>C (NM_001346603.2); short protein forms C194R, C272R.
Identifiers: ClinVar variation 830290 (VCV000830290.13), dbSNP rs761066440, ClinGen allele CA4426534.

ClinVar aggregate classification (germline): Uncertain significance. Review status: criteria provided, multiple submitters, no conflicts (2 of 4 stars). 3 submissions from 3 submitters: Uncertain significance (3). Last evaluated 2024-02-23.

Conditions:
Hereditary breast ovarian cancer syndrome. Also called: Hereditary breast and/or ovarian cancer syndrome; Hereditary breast and ovarian cancer syndrome (HBOC); Breast and ovarian cancer; Hereditary breast and ovarian cancer; BRCA1- and BRCA2-Associated Hereditary Breast and Ovarian Cancer; Hereditary breast and ovarian cancer syndrome. Identifiers: Orphanet 145, MedGen C0677776, MeSH D061325, MONDO:0003582. Disease mechanism: loss of function.

Allele frequency attached by ClinVar (database versions not stated): TOPMed below 0.00001; gnomAD exomes 0.00001 and 0.00003; ExAC 0.00004.
gnomAD v4.1: 10 of 1,614,210 alleles (0.00062%); highest among the groups gnomAD compares: East Asian, 0.02%; no homozygotes.

Submissions (3):

Ambry Genetics
Classification: Uncertain significance. Last evaluated: 2024-02-23. Review status: criteria provided, single submitter. Criteria: Ambry Variant Classification Scheme 2023. Collection method: clinical testing. Allele origin: germline.
Comment: The p.C272R variant (also known as c.814T>C), located in coding exon 6 of the RINT1 gene, results from a T to C substitution at nucleotide position 814. The cysteine at codon 272 is replaced by arginine, an amino acid with highly dissimilar properties. This amino acid position is conserved. In addition, this alteration is predicted to be tolerated by in silico analysis. The evidence for this gene-disease relationship is limited; therefore, the clinical significance of this alteration is unclear.

Labcorp Genetics (formerly Invitae), Labcorp
Classification: Uncertain significance. Last evaluated: 2022-12-03. Review status: criteria provided, single submitter. Criteria: Invitae Variant Classification Sherloc (09022015). Collection method: clinical testing. Allele origin: germline.
Comment: In summary, the available evidence is currently insufficient to determine the role of this variant in disease. Therefore, it has been classified as a Variant of Uncertain Significance. Algorithms developed to predict the effect of sequence changes on RNA splicing suggest that this variant may create or strengthen a splice site. Algorithms developed to predict the effect of missense changes on protein structure and function are either unavailable or do not agree on the potential impact of this missense change (SIFT: "Deleterious"; PolyPhen-2: "Benign"; Align-GVGD: "Class C0"). ClinVar contains an entry for this variant (Variation ID: 830290). This variant has not been reported in the literature in individuals affected with RINT1-related conditions. This variant is present in population databases (rs761066440, gnomAD 0.03%). This sequence change replaces cysteine, which is neutral and slightly polar, with arginine, which is basic and polar, at codon 272 of the RINT1 protein (p.Cys272Arg).

Cancer Genomics Group, Japanese Foundation For Cancer Research
Classification: Uncertain significance for Hereditary breast and ovarian cancer syndrome. Last evaluated: 2019-05-01. Review status: criteria provided, single submitter. Criteria: ACMG Guidelines, 2015. Collection method: research. Allele origin: germline. Affected: yes.